The following is an entry in ClinVar:

ClinVar aggregate classification (germline): Uncertain significance (1 of 4 stars; one submission).

Conditions:
Cardiomyopathy (CMYO). Also called: Cardiomyopathies. Identifiers: Orphanet 167848, MedGen C0878544, MONDO:0004994, HP:0001638. Inheritance: Various modes of inheritance.

Submission:

Color Diagnostics, LLC DBA Color Health
Classification: Uncertain significance for Cardiomyopathy. Last evaluated: 2024-03-06. Review status: criteria provided, single submitter. Criteria: ACMG Guidelines, 2015. Collection method: clinical testing. Allele origin: germline.
Comment: This missense variant replaces cysteine with phenylalanine at codon 1052 of the DSP protein. Computational prediction suggests that this variant may not impact protein structure and function (internally defined REVEL score threshold <= 0.5, PMID: 27666373). To our knowledge, functional studies have not been reported for this variant. This variant has not been reported in individuals affected with cardiovascular disorders in the literature. This variant has not been identified in the general population by the Genome Aggregation Database (gnomAD). The available evidence is insufficient to determine the role of this variant in disease conclusively. Therefore, this variant is classified as a Variant of Uncertain Significance.

NM_004415.4(DSP):c.3155G>T (p.Cys1052Phe)

Gene: DSP (desmoplakin; plus strand). Cytogenetic location: 6p24.3.
Variant type: single nucleotide variant.
Coding change: c.3155G>T on transcript NM_004415.4 (MANE Select); coding-DNA position 3155, G replaced by T.
Protein change: p.Cys1052Phe; replaces cysteine 1052 with phenylalanine.
Molecular consequence: missense variant.
Genome position (GRCh38, 1-based): chr6:7,579,345, G>T. VCF-style: chr6-7579345-G-T. GRCh37 (hg19) VCF-style: chr6-7579578-G-T.
Other names: c.3155G>T, p.Cys1052Phe (NM_001008844.3, NM_001319034.2); short protein forms C1052F.
Identifiers: ClinVar variation 1171750 (VCV001171750.3), dbSNP rs2113691184, ClinGen allele CA362683143.
Genomic context (GRCh38, chr6:7,579,345, plus strand): 5'-CCAAGATCGAAGTTTTGGAAGAGGAGCTCAGACTGGCCCGAGATGCCAACTCGGAAAACT[G>T]TAATAAGAACAAATTCCTGGATCAGAACCTGCAGAAATACCAGGCAGAGTGTTCCCAGTT-3'
Protein context (NP_004406.2, residues 1042-1062): RLARDANSEN[Cys1052Phe]NKNKFLDQNL